The following is an entry in ClinVar:

ClinVar aggregate classification (germline): Uncertain significance (1 of 4 stars; one submission).

gnomAD v4.1: 1 of 1,566,038 alleles (0.000064%); highest among the groups gnomAD compares: Non-Finnish European, 0.000086%; no homozygotes.

Submission:

Women's Health and Genetics/Laboratory Corporation of America, LabCorp
Classification: Uncertain significance. Last evaluated: 2025-07-28. Review status: criteria provided, single submitter. Criteria: LabCorp Variant Classification Summary - May 2015. Collection method: clinical testing. Allele origin: germline.
Comment: Variant summary: SIX3 c.148G>A (p.Gly50Ser) results in a non-conservative amino acid change in the encoded protein sequence. Algorithms developed to predict the effect of missense changes on protein structure and function are either unavailable or do not agree on the potential impact of this missense change. The variant was absent in 191874 control chromosomes. The available data on variant occurrences in the general population are insufficient to allow any conclusion about variant significance. To our knowledge, no occurrence of c.148G>A in individuals affected with SIX3-Related Disorders and no experimental evidence demonstrating its impact on protein function have been reported. No submitters have cited clinical-significance assessments for this variant to ClinVar. Based on the evidence outlined above, the variant was classified as uncertain significance.

NM_005413.4(SIX3):c.148G>A (p.Gly50Ser)

Gene: SIX3 (SIX homeobox 3; plus strand). Cytogenetic location: 2p21.
Variant type: single nucleotide variant.
Coding change: c.148G>A on transcript NM_005413.4 (MANE Select); coding-DNA position 148, G replaced by A.
Protein change: p.Gly50Ser; replaces glycine 50 with serine.
Molecular consequence: missense variant.
Genome position (GRCh38, 1-based): chr2:44,942,252, G>A. VCF-style: chr2-44942252-G-A. GRCh37 (hg19) VCF-style: chr2-45169391-G-A.
Other names: short protein forms G50S.
Identifiers: ClinVar variation 4526150 (VCV004526150.1).